The following is an entry in ClinVar:

NM_002025.4(AFF2):c.898G>T (p.Asp300Tyr)

Gene: AFF2 (ALF transcription elongation factor 2; plus strand). Cytogenetic location: Xq28.
Variant type: single nucleotide variant.
Coding change: c.898G>T on transcript NM_002025.4 (MANE Select); coding-DNA position 898, G replaced by T.
Protein change: p.Asp300Tyr; replaces aspartic acid 300 with tyrosine.
Molecular consequence: missense variant.
Genome position (GRCh38, 1-based): chrX:148,662,625, G>T. VCF-style: chrX-148662625-G-T. GRCh37 (hg19) VCF-style: chrX-147744146-G-T.
Other names: c.886G>T, p.Asp296Tyr (NM_001169122.2, NM_001169123.2, NM_001169125.2); c.898G>T, p.Asp300Tyr (NM_001169124.2); short protein forms D296Y, D300Y.
Identifiers: ClinVar variation 3778272 (VCV003778272.7).

ClinVar aggregate classification (germline): Uncertain significance (1 of 4 stars; one submission).

gnomAD v4.1: 3 of 1,211,673 alleles (0.00025%); highest among the groups gnomAD compares: Non-Finnish European, 0.00033%; no homozygotes.

Submission:

CeGaT Center for Human Genetics Tuebingen
Classification: Uncertain significance. Last evaluated: 2025-03-01. Review status: criteria provided, single submitter. Criteria: CeGaT Center For Human Genetics Tuebingen Variant Classification Criteria Version 2. Collection method: clinical testing. Allele origin: germline. Affected: yes. Observed: 1 variant allele.
Comment: AFF2: PM2, BP4